The following is an entry in ClinVar:

NM_001166108.2(PALLD):c.1289G>C (p.Arg430Pro)

Gene: PALLD (palladin, cytoskeletal associated protein; plus strand). Cytogenetic location: 4q32.3.
Variant type: single nucleotide variant.
Coding change: c.1289G>C on transcript NM_001166108.2 (MANE Select); coding-DNA position 1289, G replaced by C.
Protein change: p.Arg430Pro; replaces arginine 430 with proline.
Molecular consequence: missense variant.
Genome position (GRCh38, 1-based): chr4:168,685,513, G>C. VCF-style: chr4-168685513-G-C. GRCh37 (hg19) VCF-style: chr4-169606664-G-C.
Other names: c.143G>C, p.Arg48Pro (NM_001166109.2); c.1289G>C, p.Arg430Pro (NM_016081.4); short protein forms R430P, R48P.
Identifiers: ClinVar variation 1769041 (VCV001769041.3), dbSNP rs145571230, ClinGen allele CA358794435.

ClinVar aggregate classification (germline): Uncertain significance (1 of 4 stars; one submission).

gnomAD v4.1: 2 of 1,612,326 alleles (0.00012%); highest among the groups gnomAD compares: South Asian, 0.0011%; no homozygotes.

Submission:

Ambry Genetics
Classification: Uncertain significance. Last evaluated: 2024-06-04. Review status: criteria provided, single submitter. Criteria: Ambry Variant Classification Scheme 2023. Collection method: clinical testing. Allele origin: germline.
Comment: The p.R430P variant (also known as c.1289G>C), located in coding exon 5 of the PALLD gene, results from a G to C substitution at nucleotide position 1289. The arginine at codon 430 is replaced by proline, an amino acid with dissimilar properties. This amino acid position is conserved. In addition, the in silico prediction for this alteration is inconclusive. Since supporting evidence is limited at this time, the clinical significance of this alteration remains unclear.